The following is an entry in ClinVar:

NM_001458.5(FLNC):c.7466G>A (p.Gly2489Glu)

Genes: FLNC (filamin C; plus strand), FLNC-AS1 (FLNC antisense RNA 1; minus strand). Cytogenetic location: 7q32.1.
Variant type: single nucleotide variant.
Coding change: c.7466G>A on transcript NM_001458.5 (MANE Select); coding-DNA position 7466, G replaced by A.
Protein change: p.Gly2489Glu; replaces glycine 2489 with glutamic acid.
Molecular consequence: missense variant.
Genome position (GRCh38, 1-based): chr7:128,856,826, G>A. VCF-style: chr7-128856826-G-A. GRCh37 (hg19) VCF-style: chr7-128496880-G-A.
Other names: c.7367G>A, p.Gly2456Glu (NM_001127487.2); short protein forms G2489E, G2456E.
Identifiers: ClinVar variation 1518001 (VCV001518001.9), dbSNP rs2128940243, ClinGen allele CA369218454.
Genomic context (GRCh38, chr7:128,856,826, plus strand): 5'-TCCCCCACGAGAATGGCGTCCACTCCATCGATGTCAAGTTCAACGGTGCCCACATCCCTG[G>A]AAGTCCCTTCAAGATCCGCGTTGGGGAGCAGAGCCAGGCTGGGGACCCAGGCTTGGTGTC-3'
Protein context (NP_001449.3, residues 2479-2499): DVKFNGAHIP[Gly2489Glu]SPFKIRVGEQ

ClinVar aggregate classification (germline): Uncertain significance. Review status: criteria provided, multiple submitters, no conflicts (2 of 4 stars). 3 submissions from 3 submitters: Uncertain significance (3). Last evaluated 2025-08-09.

Conditions:
Myofibrillar myopathy 5. Also called: Filaminopathy (type); FILAMINOPATHY, AUTOSOMAL DOMINANT. Identifiers: Orphanet 171445, MedGen C1836050, MONDO:0012289, OMIM 609524.
Distal myopathy with posterior leg and anterior hand involvement. Also called: WILLIAMS DISTAL MYOPATHY. Identifiers: Orphanet 63273, MedGen C3279722, MONDO:0013550, OMIM 614065.
Hypertrophic cardiomyopathy 26. Also called: Cardiomyopathy, familial hypertrophic, 26. Identifiers: Orphanet 75249, MedGen C4310749, MONDO:0014883, OMIM 617047.

Submissions (3):

Labcorp Genetics (formerly Invitae), Labcorp
Classification: Uncertain significance for Distal myopathy with posterior leg and anterior hand involvement; Myofibrillar myopathy 5; Hypertrophic cardiomyopathy 26. Last evaluated: 2025-08-09. Review status: criteria provided, single submitter. Criteria: Invitae Variant Classification Sherloc (09022015). Collection method: clinical testing. Allele origin: germline.
Comment: This sequence change replaces glycine, which is neutral and non-polar, with glutamic acid, which is acidic and polar, at codon 2489 of the FLNC protein (p.Gly2489Glu). This variant is not present in population databases (gnomAD no frequency). This variant has not been reported in the literature in individuals affected with FLNC-related conditions. ClinVar contains an entry for this variant (Variation ID: 1518001). Invitae Evidence Modeling of protein sequence and biophysical properties (such as structural, functional, and spatial information, amino acid conservation, physicochemical variation, residue mobility, and thermodynamic stability) indicates that this missense variant is not expected to disrupt FLNC protein function with a negative predictive value of 80%. In summary, the available evidence is currently insufficient to determine the role of this variant in disease. Therefore, it has been classified as a Variant of Uncertain Significance.

Blueprint Genetics
Classification: Uncertain significance. Last evaluated: 2020-10-28. Review status: criteria provided, single submitter. Criteria: ACMG Guidelines, 2015. Collection method: clinical testing. Allele origin: germline.

Juno Genomics, Hangzhou Juno Genomics, Inc
Classification: Uncertain significance for Hypertrophic cardiomyopathy 26; Distal myopathy with posterior leg and anterior hand involvement; Myofibrillar myopathy 5. Review status: criteria provided, single submitter. Criteria: ACMG Guidelines, 2015. Collection method: clinical testing. Allele origin: germline.
Comment: Absent from controls (or at extremely low frequency if recessive) in Genome Aggregation Database.;Multiple lines of computational evidence support a deleterious effect on the gene or gene product.